The following is an entry in ClinVar:

NM_176824.3(BBS7):c.1100C>T (p.Ser367Phe)

Gene: BBS7 (Bardet-Biedl syndrome 7; minus strand). Cytogenetic location: 4q27.
Variant type: single nucleotide variant.
Coding change: c.1100C>T on transcript NM_176824.3 (MANE Select); coding-DNA position 1100, C replaced by T.
Protein change: p.Ser367Phe; replaces serine 367 with phenylalanine.
Molecular consequence: missense variant.
Genome position (GRCh38, 1-based): chr4:121,845,634, G>A on the plus strand (C>T on the coding strand, the complement: BBS7 is on the minus strand). VCF-style: chr4-121845634-G-A. GRCh37 (hg19) VCF-style: chr4-122766789-G-A.
Other names: c.1100C>T, p.Ser367Phe (NM_018190.4); c.1100C>T (NM_176824.2); short protein forms S367F.
Identifiers: ClinVar variation 2175349 (VCV002175349.5), dbSNP rs1725970507, ClinGen allele CA358062454.

ClinVar aggregate classification (germline): Uncertain significance. Review status: criteria provided, multiple submitters, no conflicts (2 of 4 stars). 2 submissions from 2 submitters: Uncertain significance (2). Last evaluated 2024-10-26.

Conditions:
BBS7-related disorder. Also called: BBS7-related condition.
Bardet-Biedl syndrome (BBS). Identifiers: Orphanet 110, MedGen C0752166, MONDO:0015229.

Allele frequency attached by ClinVar (database versions not stated): gnomAD 0.00001.
gnomAD v4.1: 1 of 1,613,048 alleles (0.000062%); highest among the groups gnomAD compares: Admixed American, 0.0017%; no homozygotes.

Submissions (2):

PreventionGenetics, part of Exact Sciences
Classification: Uncertain significance for BBS7-related condition. Last evaluated: 2024-10-26. Review status: criteria provided, single submitter. Criteria: ACMG Guidelines, 2015. Collection method: clinical testing. Allele origin: germline.
Comment: The BBS7 c.1100C>T variant is predicted to result in the amino acid substitution p.Ser367Phe. To our knowledge, this variant has not been reported in the literature or in a large population database (gnomAD), indicating this variant is rare. At this time, the clinical significance of this variant is uncertain due to the absence of conclusive functional and genetic evidence.

Labcorp Genetics (formerly Invitae), Labcorp
Classification: Uncertain significance for Bardet-Biedl syndrome. Last evaluated: 2022-06-25. Review status: criteria provided, single submitter. Criteria: Invitae Variant Classification Sherloc (09022015). Collection method: clinical testing. Allele origin: germline.
Comment: This sequence change replaces serine, which is neutral and polar, with phenylalanine, which is neutral and non-polar, at codon 367 of the BBS7 protein (p.Ser367Phe). In summary, the available evidence is currently insufficient to determine the role of this variant in disease. Therefore, it has been classified as a Variant of Uncertain Significance. Algorithms developed to predict the effect of missense changes on protein structure and function (SIFT, PolyPhen-2, Align-GVGD) all suggest that this variant is likely to be disruptive. This variant has not been reported in the literature in individuals affected with BBS7-related conditions. This variant is not present in population databases (gnomAD no frequency).